The following is an entry in ClinVar:

ClinVar aggregate classification (germline): Benign. Review status: criteria provided, multiple submitters, no conflicts (2 of 4 stars). 4 submissions from 4 submitters: Benign (4). Last evaluated 2026-02-03.

Conditions:
Hyperekplexia 2 (HKPX2). Identifiers: Orphanet 3197, MedGen C3553291, MONDO:0013828, OMIM 614619.

Allele frequency attached by ClinVar (database versions not stated): ESP Exome Variant Server 0.00284; gnomAD 0.00455 and 0.00628; TOPMed 0.00713; ExAC 0.01117; gnomAD exomes 0.01126; 1000 Genomes Project 30x 0.02280; 1000 Genomes Project 0.02576.
gnomAD v4.1: 11,255 of 1,612,278 alleles (0.7%); highest among the groups gnomAD compares: East Asian, 13%; 423 homozygotes.

Submissions (4):

Labcorp Genetics (formerly Invitae), Labcorp
Classification: Benign for Hyperekplexia 2. Last evaluated: 2026-02-03. Review status: criteria provided, single submitter. Criteria: Invitae Variant Classification Sherloc (09022015). Collection method: clinical testing. Allele origin: germline.

GeneDx
Classification: Benign. Last evaluated: 2021-05-06. Review status: criteria provided, single submitter. Criteria: GeneDx Variant Classification Process June 2021. Collection method: clinical testing. Allele origin: germline. Affected: yes.

Illumina Laboratory Services, Illumina
Classification: Benign for Hyperekplexia 2. Last evaluated: 2018-01-13. Review status: criteria provided, single submitter. Criteria: ICSL Variant Classification Criteria 13 December 2019. Collection method: clinical testing. Allele origin: germline.
Comment: This variant was observed in the ICSL laboratory as part of a predisposition screen in an ostensibly healthy population. It had not been previously curated by ICSL or reported in the Human Gene Mutation Database (HGMD: prior to June 1st, 2018), and was therefore a candidate for classification through an automated scoring system. Utilizing variant allele frequency, disease prevalence and penetrance estimates, and inheritance mode, an automated score was calculated to assess if this variant is too frequent to cause the disease. Based on the score and internal cut-off values, a variant classified as benign is not then subjected to further curation. The score for this variant resulted in a classification of benign for this disease.

Breakthrough Genomics
Classification: Benign. Review status: criteria provided, single submitter. Criteria: ACMG Guidelines, 2015. Collection method: not provided. Allele origin: germline. Inheritance: Autosomal recessive inheritance. Affected: yes.

NM_000824.5(GLRB):c.122+4T>A

Gene: GLRB (glycine receptor beta; plus strand). Cytogenetic location: 4q32.1.
Variant type: single nucleotide variant.
Coding change: c.122+4T>A on transcript NM_000824.5 (MANE Select); 4 bases into the intron after coding-DNA position 122, T replaced by A.
Molecular consequence: intron variant.
Genome position (GRCh38, 1-based): chr4:157,078,150, T>A. VCF-style: chr4-157078150-T-A. GRCh37 (hg19) VCF-style: chr4-157999302-T-A.
Other names: c.122+4T>A (NM_001166061.2, NM_001166060.2).
Identifiers: ClinVar variation 347915 (VCV000347915.17), dbSNP rs3775725, ClinGen allele CA3119651.